The following is an entry in ClinVar:

NM_000238.4(KCNH2):c.614C>T (p.Pro205Leu)

Gene: KCNH2 (potassium voltage-gated channel subfamily H member 2; minus strand). Cytogenetic location: 7q36.1.
Variant type: single nucleotide variant.
Coding change: c.614C>T on transcript NM_000238.4 (MANE Select); coding-DNA position 614, C replaced by T.
Protein change: p.Pro205Leu; replaces proline 205 with leucine.
Molecular consequence: missense variant.
Genome position (GRCh38, 1-based): chr7:150,958,361, G>A on the plus strand (C>T on the coding strand, the complement: KCNH2 is on the minus strand). VCF-style: chr7-150958361-G-A. GRCh37 (hg19) VCF-style: chr7-150655449-G-A.
Other names: c.326C>T, p.Pro109Leu (NM_001406753.1, NM_001406756.1); c.437C>T, p.Pro146Leu (NM_001406755.1); c.314C>T, p.Pro105Leu (NM_001406757.1); c.614C>T, p.Pro205Leu (NM_172056.3); short protein forms P205L, P109L, P146L, P105L.
Identifiers: ClinVar variation 829864 (VCV000829864.6), dbSNP rs1326885330, ClinGen allele CA369863107.

ClinVar aggregate classification (germline): Uncertain significance. Review status: criteria provided, multiple submitters, no conflicts (2 of 4 stars). 3 submissions from 3 submitters: Uncertain significance (2). 1 of the submissions does not count toward it. Last evaluated 2025-01-30.

Conditions:
Cardiovascular phenotype. Identifiers: MedGen CN230736.
Short QT syndrome type 1. Identifiers: Orphanet 51083, MedGen C1865020, MONDO:0012312, OMIM 609620.
Long QT syndrome 2 (LQT2). Identifiers: Orphanet 101016, Orphanet 768, MedGen C3150943, MONDO:0013367, OMIM 613688.

Allele frequency attached by ClinVar (database versions not stated): TOPMed below 0.00001; gnomAD 0.00001; gnomAD exomes 0.00002.
gnomAD v4.1: 31 of 1,483,990 alleles (0.0021%); highest among the groups gnomAD compares: Non-Finnish European, 0.0026%; no homozygotes.

Submissions (3):

Ambry Genetics
Classification: Uncertain significance for Cardiovascular phenotype. Last evaluated: 2025-01-30. Review status: criteria provided, single submitter. Criteria: Ambry Variant Classification Scheme 2023. Collection method: clinical testing. Allele origin: germline.
Comment: The p.P205L variant (also known as c.614C>T), located in coding exon 4 of the KCNH2 gene, results from a C to T substitution at nucleotide position 614. The proline at codon 205 is replaced by leucine, an amino acid with similar properties. This amino acid position is well conserved in available vertebrate species. In addition, the in silico prediction for this alteration is inconclusive. Based on the available evidence, the clinical significance of this variant remains unclear.

Fulgent Genetics
Classification: Uncertain significance for Short QT syndrome type 1; Long QT syndrome 2. Last evaluated: 2021-07-19. Review status: criteria provided, single submitter. Criteria: ACMG Guidelines, 2015. Collection method: clinical testing. Allele origin: unknown.

Bioscientia Institut fuer Medizinische Diagnostik GmbH, Sonic Healthcare
Classification: Uncertain significance for Short QT syndrome type 1. Last evaluated: 2019-06-25. Review status: no assertion criteria provided. Collection method: clinical testing. Allele origin: germline. Affected: yes. Not counted in ClinVar's aggregate classification.